The following is an entry in ClinVar:

ClinVar aggregate classification (germline): Uncertain significance. Review status: criteria provided, multiple submitters, no conflicts (2 of 4 stars). 2 submissions from 2 submitters: Uncertain significance (2). Last evaluated 2024-07-03.

Allele frequency attached by ClinVar (database versions not stated): gnomAD 0.00001 and 0.00004; TOPMed 0.00001; gnomAD exomes 0.00010 and 0.00019; 1000 Genomes Project 0.00040; ExAC 0.00053; 1000 Genomes Project 30x 0.00062.
gnomAD v4.1: 151 of 1,551,434 alleles (0.0097%); highest among the groups gnomAD compares: South Asian, 0.14%; no homozygotes.

Submissions (2):

Blueprint Genetics
Classification: Uncertain significance. Last evaluated: 2024-07-03. Review status: criteria provided, single submitter. Criteria: ACMG Guidelines, 2015. Collection method: clinical testing. Allele origin: germline.

Labcorp Genetics (formerly Invitae), Labcorp
Classification: Uncertain significance. Last evaluated: 2022-05-27. Review status: criteria provided, single submitter. Criteria: Invitae Variant Classification Sherloc (09022015). Collection method: clinical testing. Allele origin: germline.
Comment: This sequence change replaces methionine, which is neutral and non-polar, with valine, which is neutral and non-polar, at codon 329 of the PEPD protein (p.Met329Val). This variant is present in population databases (rs563348250, gnomAD 0.1%). This variant has not been reported in the literature in individuals affected with PEPD-related conditions. Algorithms developed to predict the effect of missense changes on protein structure and function are either unavailable or do not agree on the potential impact of this missense change (SIFT: "Deleterious"; PolyPhen-2: "Possibly Damaging"; Align-GVGD: "Class C0"). In summary, the available evidence is currently insufficient to determine the role of this variant in disease. Therefore, it has been classified as a Variant of Uncertain Significance.

NM_000285.4(PEPD):c.985A>G (p.Met329Val)

Gene: PEPD (peptidase D; minus strand). Cytogenetic location: 19q13.11.
Variant type: single nucleotide variant.
Coding change: c.985A>G on transcript NM_000285.4 (MANE Select); coding-DNA position 985, A replaced by G.
Protein change: p.Met329Val; replaces methionine 329 with valine.
Molecular consequence: missense variant.
Genome position (GRCh38, 1-based): chr19:33,391,462, T>C on the plus strand (A>G on the coding strand, the complement: PEPD is on the minus strand). VCF-style: chr19-33391462-T-C. GRCh37 (hg19) VCF-style: chr19-33882368-T-C.
Other names: c.862A>G, p.Met288Val (NM_001166056.2); c.793A>G, p.Met265Val (NM_001166057.2); short protein forms M265V, M329V, M288V.
Identifiers: ClinVar variation 1386270 (VCV001386270.6), dbSNP rs563348250, ClinGen allele CA9364031.